The following is an entry in ClinVar:

ClinVar aggregate classification (germline): Conflicting classifications of pathogenicity. Review status: criteria provided, conflicting classifications (1 of 4 stars). 3 submissions from 3 submitters: Likely pathogenic (1); Uncertain significance (1). 1 of the submissions does not count toward it. Last evaluated 2024-06-14.

Conditions:
Stargardt disease (FFM). Also called: Stargardt's disease; Fundus flavimaculatus. Identifiers: Orphanet 827, MedGen C0271093, MONDO:0019353.
Retinal dystrophy. Also called: Inherited retinal dystrophy. Identifiers: Orphanet 71862, MedGen C0854723, MeSH D058499, MONDO:0019118, HP:0000556.

Allele frequency attached by ClinVar (database versions not stated): gnomAD exomes below 0.00001; TOPMed below 0.00001.
gnomAD v4.1: 1 of 1,614,054 alleles (0.000062%); highest among the groups gnomAD compares: Non-Finnish European, 0.000085%; no homozygotes.

Submissions (3):

Labcorp Genetics (formerly Invitae), Labcorp
Classification: Uncertain significance. Last evaluated: 2024-06-14. Review status: criteria provided, single submitter. Criteria: Invitae Variant Classification Sherloc (09022015). Collection method: clinical testing. Allele origin: germline.
Comment: This sequence change replaces isoleucine, which is neutral and non-polar, with threonine, which is neutral and polar, at codon 151 of the ABCA4 protein (p.Ile151Thr). This variant is not present in population databases (gnomAD no frequency). This missense change has been observed in individual(s) with Stargardt disease (PMID: 31456290). ClinVar contains an entry for this variant (Variation ID: 812209). Advanced modeling of protein sequence and biophysical properties (such as structural, functional, and spatial information, amino acid conservation, physicochemical variation, residue mobility, and thermodynamic stability) has been performed at Invitae for this missense variant, however the output from this modeling did not meet the statistical confidence thresholds required to predict the impact of this variant on ABCA4 protein function. In summary, the available evidence is currently insufficient to determine the role of this variant in disease. Therefore, it has been classified as a Variant of Uncertain Significance.

Institute of Human Genetics, Univ. Regensburg, Univ. Regensburg
Classification: Likely pathogenic for Retinal dystrophy. Last evaluated: 2008-01-01. Review status: criteria provided, single submitter. Criteria: ACMG Guidelines, 2015. Collection method: clinical testing. Allele origin: germline. Affected: yes.

Sharon lab, Hadassah-Hebrew University Medical Center
Classification: Likely pathogenic for Stargardt disease. Last evaluated: 2019-06-23. Review status: no assertion criteria provided. Collection method: research. Allele origin: inherited. Affected: yes. Not counted in ClinVar's aggregate classification.

Literature cited by the submitters: PubMed 31456290 (cited by Labcorp Genetics (formerly Invitae), Labcorp and Institute of Human Genetics, Univ. Regensburg, Univ. Regensburg).

NM_000350.3(ABCA4):c.452T>C (p.Ile151Thr)

Gene: ABCA4 (ATP binding cassette subfamily A member 4; minus strand). Cytogenetic location: 1p22.1.
Variant type: single nucleotide variant.
Coding change: c.452T>C on transcript NM_000350.3 (MANE Select); coding-DNA position 452, T replaced by C.
Protein change: p.Ile151Thr; replaces isoleucine 151 with threonine.
Molecular consequence: missense variant.
Genome position (GRCh38, 1-based): chr1:94,103,133, A>G on the plus strand (T>C on the coding strand, the complement: ABCA4 is on the minus strand). VCF-style: chr1-94103133-A-G. GRCh37 (hg19) VCF-style: chr1-94568689-A-G.
Other names: c.452T>C, p.Ile151Thr (NM_001425324.1); short protein forms I151T.
Identifiers: ClinVar variation 812209 (VCV000812209.7), dbSNP rs1012017728, ClinGen allele CA26891178.
Genomic context (GRCh38, chr1:94,103,133, plus strand): 5'-ATGTTTTTAATGAGAAATAGTGTCAGTGTTTCTTCATCTTTCAAGATATCCCTTATTCGT[A>G]TTCCTCTTCCTACATATGAATAAGAGAAAGAACAGGGTGTTGAAGGGGAAATGGGTCAAA-3'
Protein context (NP_000341.2, residues 141-161): THPERIAGRG[Ile151Thr]RIRDILKDEE